The following is an entry in ClinVar:

NM_181486.4(TBX5):c.848C>A (p.Thr283Asn)

Gene: TBX5 (T-box transcription factor 5; minus strand). Cytogenetic location: 12q24.21.
Variant type: single nucleotide variant.
Coding change: c.848C>A on transcript NM_181486.4 (MANE Select); coding-DNA position 848, C replaced by A.
Protein change: p.Thr283Asn; replaces threonine 283 with asparagine.
Molecular consequence: missense variant.
Genome position (GRCh38, 1-based): chr12:114,366,299, G>T on the plus strand (C>A on the coding strand, the complement: TBX5 is on the minus strand). VCF-style: chr12-114366299-G-T. GRCh37 (hg19) VCF-style: chr12-114804104-G-T.
Other names: c.848C>A, p.Thr283Asn (NM_000192.3); c.698C>A, p.Thr233Asn (NM_080717.4); short protein forms T283N, T233N.
Identifiers: ClinVar variation 499465 (VCV000499465.17), dbSNP rs147077037, ClinGen allele CA6809483.

ClinVar aggregate classification (germline): Uncertain significance. Review status: criteria provided, multiple submitters, no conflicts (2 of 4 stars). 4 submissions from 4 submitters: Uncertain significance (4). Last evaluated 2025-10-03.

Conditions:
Cardiovascular phenotype. Identifiers: MedGen CN230736.
Aortic valve disease 2 (AOVD2). Identifiers: MedGen C3542024, MONDO:0013902, OMIM 614823.
Holt-Oram syndrome (HOS). Also called: TBX5-Related Holt-Oram Syndrome; Ventriculo-radial syndrome; Cardiac-limb syndrome; Heart-hand syndrome, type 1. Identifiers: Orphanet 392, MedGen C0265264, MONDO:0007732, OMIM 142900.

Allele frequency attached by ClinVar (database versions not stated): ExAC 0.00002; gnomAD exomes 0.00003 and 0.00007; gnomAD 0.00005 and 0.00006; TOPMed 0.00006; ESP Exome Variant Server 0.00023.
gnomAD v4.1: 109 of 1,614,012 alleles (0.0068%); highest among the groups gnomAD compares: Middle Eastern, 0.016%; no homozygotes.

Submissions (4):

Labcorp Genetics (formerly Invitae), Labcorp
Classification: Uncertain significance for Aortic valve disease 2. Last evaluated: 2025-10-03. Review status: criteria provided, single submitter. Criteria: Invitae Variant Classification Sherloc (09022015). Collection method: clinical testing. Allele origin: germline.
Comment: This sequence change replaces threonine, which is neutral and polar, with asparagine, which is neutral and polar, at codon 283 of the TBX5 protein (p.Thr283Asn). The frequency data for this variant in the population databases is considered unreliable, as metrics indicate poor data quality at this position in the gnomAD database. This variant has not been reported in the literature in individuals affected with TBX5-related conditions. ClinVar contains an entry for this variant (Variation ID: 499465). Invitae Evidence Modeling of protein sequence and biophysical properties (such as structural, functional, and spatial information, amino acid conservation, physicochemical variation, residue mobility, and thermodynamic stability) indicates that this missense variant is not expected to disrupt TBX5 protein function with a negative predictive value of 80%. In summary, the available evidence is currently insufficient to determine the role of this variant in disease. Therefore, it has been classified as a Variant of Uncertain Significance.

Ambry Genetics
Classification: Uncertain significance for Cardiovascular phenotype. Last evaluated: 2024-12-17. Review status: criteria provided, single submitter. Criteria: Ambry Variant Classification Scheme 2023. Collection method: clinical testing. Allele origin: germline.

Fulgent Genetics
Classification: Uncertain significance for Holt-Oram syndrome. Last evaluated: 2021-10-02. Review status: criteria provided, single submitter. Criteria: ACMG Guidelines, 2015. Collection method: clinical testing. Allele origin: unknown.

Eurofins Ntd Llc (ga)
Classification: Uncertain significance. Last evaluated: 2017-01-19. Review status: criteria provided, single submitter. Criteria: EGL Classification Definitions 2015. Collection method: clinical testing. Allele origin: germline. Observed: 1 variant allele, 1 heterozygote.